The following is an entry in ClinVar:

NM_005235.3(ERBB4):c.1835G>C (p.Arg612Pro)

Gene: ERBB4 (erb-b2 receptor tyrosine kinase 4; minus strand). Cytogenetic location: 2q34.
Variant type: single nucleotide variant.
Coding change: c.1835G>C on transcript NM_005235.3 (MANE Select); coding-DNA position 1835, G replaced by C.
Protein change: p.Arg612Pro; replaces arginine 612 with proline.
Molecular consequence: missense variant.
Genome position (GRCh38, 1-based): chr2:211,665,359, C>G on the plus strand (G>C on the coding strand, the complement: ERBB4 is on the minus strand). VCF-style: chr2-211665359-C-G. GRCh37 (hg19) VCF-style: chr2-212530084-C-G.
Other names: c.1835G>C, p.Arg612Pro (NM_001042599.2); short protein forms R612P.
Identifiers: ClinVar variation 2731222 (VCV002731222.3), dbSNP rs139122290, ClinGen allele CA65171298.

ClinVar aggregate classification (germline): Uncertain significance (1 of 4 stars; one submission).

gnomAD v4.1: 15 of 1,614,012 alleles (0.00093%); highest among the groups gnomAD compares: African/African-American, 0.0013%; no homozygotes.

Submission:

Labcorp Genetics (formerly Invitae), Labcorp
Classification: Uncertain significance. Last evaluated: 2023-11-14. Review status: criteria provided, single submitter. Criteria: Invitae Variant Classification Sherloc (09022015). Collection method: clinical testing. Allele origin: germline.
Comment: This sequence change replaces arginine, which is basic and polar, with proline, which is neutral and non-polar, at codon 612 of the ERBB4 protein (p.Arg612Pro). This variant is present in population databases (no rsID available, gnomAD 0.0009%). This variant has not been reported in the literature in individuals affected with ERBB4-related conditions. Advanced modeling of protein sequence and biophysical properties (such as structural, functional, and spatial information, amino acid conservation, physicochemical variation, residue mobility, and thermodynamic stability) performed at Invitae indicates that this missense variant is not expected to disrupt ERBB4 protein function with a negative predictive value of 80%. In summary, the available evidence is currently insufficient to determine the role of this variant in disease. Therefore, it has been classified as a Variant of Uncertain Significance.